The following is an entry in ClinVar:

ClinVar aggregate classification (germline): Uncertain significance (1 of 4 stars; one submission).

Conditions:
Cardiovascular phenotype. Identifiers: MedGen CN230736.

Submission:

Ambry Genetics
Classification: Uncertain significance for Cardiovascular phenotype. Last evaluated: 2026-06-24. Review status: criteria provided, single submitter. Criteria: Ambry Variant Classification Scheme 2023. Collection method: clinical testing. Allele origin: germline.
Comment: The p.A397S variant (also known as c.1189G>T), located in coding exon 10 of the EFEMP2 gene, results from a G to T substitution at nucleotide position 1189. The alanine at codon 397 is replaced by serine, an amino acid with similar properties. This amino acid position is highly conserved in available vertebrate species. In addition, the in silico prediction for this alteration is inconclusive. Based on the available evidence, the clinical significance of this variant remains unclear.

NM_016938.5(EFEMP2):c.1189G>T (p.Ala397Ser)

Genes: EFEMP2 (EGF-like fibulin extracellular matrix protein 2; minus strand), MUS81 (MUS81 structure-specific endonuclease subunit; plus strand). Cytogenetic location: 11q13.1.
Variant type: single nucleotide variant.
Coding change: c.1189G>T on transcript NM_016938.5 (MANE Select); coding-DNA position 1189, G replaced by T.
Protein change: p.Ala397Ser; replaces alanine 397 with serine.
Molecular consequence: missense variant. On other transcripts: non-coding transcript variant (1).
Genome position (GRCh38, 1-based): chr11:65,867,061, C>A on the plus strand (G>T on the coding strand, the complement: EFEMP2 is on the minus strand). VCF-style: chr11-65867061-C-A. GRCh37 (hg19) VCF-style: chr11-65634532-C-A.
Other names: short protein forms A397S.
Identifiers: ClinVar variation 5035726 (VCV005035726.1).
Genomic context (GRCh38, chr11:65,867,061, plus strand): 5'-TCTCCAGGTCCAGCACGTACTCCCGGGGGCCCGTCACCGGCCGGGCGAGGACCAGCATGG[C>A]GCTGACGTTGTTGATTTGCTGCAGGGCAGTGGGTGGGGGGACATATATATTGTGTCAGCC-3'
Protein context (NP_058634.4, residues 387-407): FYIRQINNVS[Ala397Ser]MLVLARPVTG